The following is an entry in ClinVar:

ClinVar aggregate classification (germline): Uncertain significance. Review status: criteria provided, multiple submitters, no conflicts (2 of 4 stars). 2 submissions from 2 submitters: Uncertain significance (2). Last evaluated 2023-05-04.

Conditions:
Arrhythmogenic right ventricular cardiomyopathy (ARVD). Also called: Cardiomyopathy, ARVC; Arrhythmogenic right ventricular dysplasia; Arrhythmogenic cardiomyopathy; Arrhythmogenic Right Ventricular Cardiomyopathy (ARVC). Identifiers: Orphanet 247, MedGen C0349788, MeSH D019571, MONDO:0016587. Disease mechanism: loss of function. Inheritance: Various modes of inheritance.
Arrhythmogenic right ventricular dysplasia 10. Also called: Arrhythmogenic Right Ventricular Dysplasia/Cardiomyopathy10; ARRHYTHMOGENIC RIGHT VENTRICULAR DYSPLASIA, FAMILIAL, 10; Arrhythmogenic right ventricular dysplasia/cardiomyopathy, type 10. Identifiers: MedGen C1857777, MONDO:0012434, OMIM 610193.

Allele frequency attached by ClinVar (database versions not stated): gnomAD exomes below 0.00001; ExAC 0.00001.
gnomAD v4.1: 2 of 1,614,158 alleles (0.00012%); highest among the groups gnomAD compares: Non-Finnish European, 0.00017%; no homozygotes.

Submissions (2):

All of Us Research Program, National Institutes of Health
Classification: Uncertain significance for Arrhythmogenic right ventricular cardiomyopathy. Last evaluated: 2023-05-04. Review status: criteria provided, single submitter. Criteria: ACMG Guidelines, 2015. Collection method: clinical testing. Allele origin: germline. Inheritance: Autosomal dominant inheritance. Observed: 1 variant allele, 1 heterozygote.
Comment: This missense variant replaces tyrosine with histidine at codon 1013 of the DSG2 protein. Computational prediction suggests that this variant may not impact protein structure and function (internally defined REVEL score threshold <= 0.5, PMID: 27666373). To our knowledge, functional studies have not been reported for this variant. This variant has not been reported in individuals affected with DSG2-related disorders in the literature. This variant has been identified in 1/249408 chromosomes in the general population by the Genome Aggregation Database (gnomAD). The available evidence is insufficient to determine the role of this variant in disease conclusively. Therefore, this variant is classified as a Variant of Uncertain Significance.

This study involves interpretation of variants in research participants for the purpose of population health screening. Participant phenotype was not available at the time of variant classification. Additional details can be found in publication PMID: 35346344, PMCID: PMC8962531

Labcorp Genetics (formerly Invitae), Labcorp
Classification: Uncertain significance for Arrhythmogenic right ventricular dysplasia 10. Last evaluated: 2022-01-15. Review status: criteria provided, single submitter. Criteria: Invitae Variant Classification Sherloc (09022015). Collection method: clinical testing. Allele origin: germline.
Comment: This sequence change replaces tyrosine, which is neutral and polar, with histidine, which is basic and polar, at codon 1013 of the DSG2 protein (p.Tyr1013His). This variant is present in population databases (rs749697857, gnomAD 0.0009%). This variant has not been reported in the literature in individuals affected with DSG2-related conditions. Algorithms developed to predict the effect of missense changes on protein structure and function are either unavailable or do not agree on the potential impact of this missense change (SIFT: "Deleterious"; PolyPhen-2: "Probably Damaging"; Align-GVGD: "Class C0"). In summary, the available evidence is currently insufficient to determine the role of this variant in disease. Therefore, it has been classified as a Variant of Uncertain Significance.

NM_001943.5(DSG2):c.3037T>C (p.Tyr1013His)

Genes: DSG2 (desmoglein 2; plus strand), DSG2-AS1 (DSG2 antisense RNA 1; minus strand). Cytogenetic location: 18q12.1.
Variant type: single nucleotide variant.
Coding change: c.3037T>C on transcript NM_001943.5 (MANE Select); coding-DNA position 3037, T replaced by C.
Protein change: p.Tyr1013His; replaces tyrosine 1013 with histidine.
Molecular consequence: missense variant.
Genome position (GRCh38, 1-based): chr18:31,546,423, T>C. VCF-style: chr18-31546423-T-C. GRCh37 (hg19) VCF-style: chr18-29126386-T-C.
Other names: short protein forms Y1013H.
Identifiers: ClinVar variation 1912180 (VCV001912180.3), dbSNP rs749697857, ClinGen allele CA047770.